The following is an entry in ClinVar:

ClinVar aggregate classification (germline): Likely benign. Review status: criteria provided, multiple submitters, no conflicts (2 of 4 stars). 4 submissions from 4 submitters: Likely benign (3). 1 of the submissions does not count toward it. Last evaluated 2025-02-12.

Conditions:
Hereditary breast ovarian cancer syndrome. Also called: Hereditary breast and ovarian cancer syndrome; Hereditary breast and ovarian cancer; Hereditary breast and ovarian cancer syndrome (HBOC); Breast and ovarian cancer; Hereditary breast and/or ovarian cancer syndrome; BRCA1- and BRCA2-Associated Hereditary Breast and Ovarian Cancer. Identifiers: Orphanet 145, MedGen C0677776, MeSH D061325, MONDO:0003582. Disease mechanism: loss of function.
Breast-ovarian cancer, familial, susceptibility to, 2 (BROVCA2). Also called: BRCA2 Hereditary Breast and Ovarian Cancer. Identifiers: Orphanet 145, MedGen C2675520, MONDO:0012933, OMIM 612555. Disease mechanism: loss of function.
Hereditary cancer-predisposing syndrome. Also called: Neoplastic Syndromes, Hereditary; Tumor predisposition; Hereditary Cancer Syndrome; Hereditary neoplastic syndrome. Identifiers: Orphanet 140162, MedGen C0027672, MeSH D009386, MONDO:0015356.

Allele frequency attached by ClinVar (database versions not stated): gnomAD exomes below 0.00001.
gnomAD v4.1: 1 of 1,611,982 alleles (0.000062%); highest among the groups gnomAD compares: Non-Finnish European, 0.000085%; no homozygotes.

Submissions (4):

Labcorp Genetics (formerly Invitae), Labcorp
Classification: Likely benign for Hereditary breast ovarian cancer syndrome. Last evaluated: 2025-02-12. Review status: criteria provided, single submitter. Criteria: Invitae Variant Classification Sherloc (09022015). Collection method: clinical testing. Allele origin: germline.

Ambry Genetics
Classification: Likely benign for Hereditary cancer-predisposing syndrome. Last evaluated: 2024-04-10. Review status: criteria provided, single submitter. Criteria: Ambry Variant Classification Scheme 2023. Collection method: clinical testing. Allele origin: germline.

University of Washington Department of Laboratory Medicine, University of Washington
Classification: Likely benign for Hereditary cancer-predisposing syndrome. Last evaluated: 2023-03-23. Review status: criteria provided, single submitter. Criteria: Dines et al. (Genet Med. 2020). Collection method: curation. Allele origin: germline.
Comment: Missense variant in a coldspot region where missense variants are very unlikely to be pathogenic (PMID:31911673).

BRCA2 exon 11 coldspot. Reclassification based on statistical prior probability.

Breast Cancer Information Core (BIC) (BRCA2)
Classification: Uncertain significance for Breast-ovarian cancer, familial 2. Last evaluated: 2002-05-29. Review status: no assertion criteria provided. Collection method: clinical testing. Allele origin: germline. Affected: yes. Observed: 2 variant alleles. Not counted in ClinVar's aggregate classification.

NM_000059.4(BRCA2):c.2872A>G (p.Ser958Gly)

Gene: BRCA2 (BRCA2 DNA repair associated; plus strand). Cytogenetic location: 13q13.1.
Variant type: single nucleotide variant.
Coding change: c.2872A>G on transcript NM_000059.4 (MANE Select); coding-DNA position 2872, A replaced by G.
Protein change: p.Ser958Gly; replaces serine 958 with glycine.
Molecular consequence: missense variant.
Genome position (GRCh38, 1-based): chr13:32,337,227, A>G. VCF-style: chr13-32337227-A-G. GRCh37 (hg19) VCF-style: chr13-32911364-A-G.
Other names: short protein forms S958G.
Identifiers: ClinVar variation 51364 (VCV000051364.19), dbSNP rs80358537, ClinGen allele CA016655.
Genomic context (GRCh38, chr13:32,337,227, plus strand): 5'-GCAACCCAAGTGTCAATTAAAAAAGATTTGGTTTATGTTCTTGCAGAGGAGAACAAAAAT[A>G]GTGTAAAGCAGCATATAAAAATGACTCTAGGTCAAGATTTAAAATCGGACATCTCCTTGA-3'
Protein context (NP_000050.3, residues 948-968): VYVLAEENKN[Ser958Gly]VKQHIKMTLG